The following is an entry in ClinVar:

ClinVar aggregate classification (germline): Uncertain significance (1 of 4 stars; one submission).

Submission:

GeneDx
Classification: Uncertain significance. Last evaluated: 2025-01-15. Review status: criteria provided, single submitter. Criteria: GeneDx Variant Classification Process June 2021. Collection method: clinical testing. Allele origin: germline. Affected: yes.
Comment: Not observed at significant frequency in large population cohorts (gnomAD); In silico analysis indicates that this missense variant does not alter protein structure/function; Has not been previously published as pathogenic or benign to our knowledge

NM_020754.4(ARHGAP31):c.4297G>T (p.Val1433Leu)

Gene: ARHGAP31 (Rho GTPase activating protein 31; plus strand). Cytogenetic location: 3q13.33.
Variant type: single nucleotide variant.
Coding change: c.4297G>T on transcript NM_020754.4 (MANE Select); coding-DNA position 4297, G replaced by T.
Protein change: p.Val1433Leu; replaces valine 1433 with leucine.
Molecular consequence: missense variant.
Genome position (GRCh38, 1-based): chr3:119,416,226, G>T. VCF-style: chr3-119416226-G-T. GRCh37 (hg19) VCF-style: chr3-119135073-G-T.
Other names: short protein forms V1433L.
Identifiers: ClinVar variation 4070714 (VCV004070714.1).